The following is an entry in ClinVar:

ClinVar aggregate classification (germline): Uncertain significance (1 of 4 stars; one submission).

Conditions:
Hyper-IgE recurrent infection syndrome 1, autosomal dominant. Also called: STAT3 Hyper IgE Syndrome; Hyper-IgE recurrent infection syndrome 1; JOB SYNDROME; Job's Syndrome; HYPER-IgE SYNDROME 1, AUTOSOMAL DOMINANT, WITH RECURRENT INFECTIONS. Identifiers: Orphanet 2314, MedGen C2936739, MONDO:0007818, OMIM 147060.
STAT3 gain of function. Identifiers: MedGen C4288261.

gnomAD v4.1: 1 of 1,614,272 alleles (0.000062%); highest among the groups gnomAD compares: Non-Finnish European, 0.000085%; no homozygotes.

Submission:

Labcorp Genetics (formerly Invitae), Labcorp
Classification: Uncertain significance for STAT3 gain of function; Hyper-IgE recurrent infection syndrome 1, autosomal dominant. Last evaluated: 2025-11-27. Review status: criteria provided, single submitter. Criteria: Invitae Variant Classification Sherloc (09022015). Collection method: clinical testing. Allele origin: germline.
Comment: This sequence change replaces asparagine, which is neutral and polar, with serine, which is neutral and polar, at codon 401 of the STAT3 protein (p.Asn401Ser). This variant is not present in population databases (gnomAD no frequency). This variant has not been reported in the literature in individuals affected with STAT3-related conditions. ClinVar contains an entry for this variant (Variation ID: 3750087). Invitae Evidence Modeling of protein sequence and biophysical properties (such as structural, functional, and spatial information, amino acid conservation, physicochemical variation, residue mobility, and thermodynamic stability) indicates that this missense variant is not expected to disrupt STAT3 protein function with a negative predictive value of 80%. In summary, the available evidence is currently insufficient to determine the role of this variant in disease. Therefore, it has been classified as a Variant of Uncertain Significance.

NM_139276.3(STAT3):c.1202A>G (p.Asn401Ser)

Gene: STAT3 (signal transducer and activator of transcription 3; minus strand). Cytogenetic location: 17q21.2.
Variant type: single nucleotide variant.
Coding change: c.1202A>G on transcript NM_139276.3 (MANE Select); coding-DNA position 1202, A replaced by G.
Protein change: p.Asn401Ser; replaces asparagine 401 with serine.
Molecular consequence: missense variant.
Genome position (GRCh38, 1-based): chr17:42,329,585, T>C on the plus strand (A>G on the coding strand, the complement: STAT3 is on the minus strand). VCF-style: chr17-42329585-T-C. GRCh37 (hg19) VCF-style: chr17-40481603-T-C.
Other names: c.1202A>G, p.Asn401Ser (NM_001369512.1, NM_001369513.1, NM_001369514.1 and 12 more transcripts); c.1124A>G, p.Asn375Ser (NM_001384985.1); c.1217A>G, p.Asn406Ser (NM_001384986.1, NM_001384990.1); c.1106A>G, p.Asn369Ser (NM_001384989.1); c.1142A>G, p.Asn381Ser (NM_001384992.1); short protein forms N369S, N375S, N381S, N401S, N406S.
Identifiers: ClinVar variation 3750087 (VCV003750087.2).